The following is an entry in ClinVar:

ClinVar aggregate classification (germline): Uncertain significance (1 of 4 stars; one submission).

Conditions:
Cerebral cavernous malformation (CCM). Also called: Cerebral cavernous hemangioma (type); Cavernous Hemangioma of Brain; CAVERNOUS ANGIOMA, FAMILIAL; CAVERNOUS ANGIOMATOUS MALFORMATIONS; CEREBRAL CAPILLARY MALFORMATIONS; Cerebral cavernous malformations. Identifiers: Orphanet 221061, MedGen C2919945, MONDO:0000820, OMIM 116860, HP:0033522.

Submission:

Labcorp Genetics (formerly Invitae), Labcorp
Classification: Uncertain significance for Cerebral cavernous malformation. Last evaluated: 2023-08-17. Review status: criteria provided, single submitter. Criteria: Invitae Variant Classification Sherloc (09022015). Collection method: clinical testing. Allele origin: unknown.
Comment: This variant results in a copy number gain of the genomic region encompassing exon(s) 16-18 of the KRIT1 gene. While the exact position of this variant cannot be determined from the data, sub-genic copy number gains are generally in tandem (PMID: 25640679). This variant is predicted to be in-frame, and likely preserves the integrity of the reading frame. A similar copy number variant has been observed in individual(s) with cerebral cavernous malformations (Invitae). Experimental studies and prediction algorithms are not available or were not evaluated, and the functional significance of this variant is currently unknown. In summary, the available evidence is currently insufficient to determine the role of this variant in disease. Therefore, it has been classified as a Variant of Uncertain Significance.

Literature cited by the submitters: PubMed 25640679.

NC_000007.13:g.(?_91842489)_(91844111_?)dup

Gene: KRIT1 (KRIT1 ankyrin repeat containing; minus strand). Cytogenetic location: 7q21.2.
Variant type: Duplication.
Identifiers: ClinVar variation 3245757 (VCV003245757.1).